The following is an entry in ClinVar:

NM_017934.7(PHIP):c.1653+5A>G

Gene: PHIP (PHIP subunit of CUL4-Ring ligase complex; minus strand). Cytogenetic location: 6q14.1.
Variant type: single nucleotide variant.
Coding change: c.1653+5A>G on transcript NM_017934.7 (MANE Select); 5 bases into the intron after coding-DNA position 1653, A replaced by G.
Molecular consequence: intron variant.
Genome position (GRCh38, 1-based): chr6:79,003,725, T>C on the plus strand (A>G on the coding strand, the complement: PHIP is on the minus strand). VCF-style: chr6-79003725-T-C. GRCh37 (hg19) VCF-style: chr6-79713442-T-C.
Identifiers: ClinVar variation 2248938 (VCV002248938.2), dbSNP rs1327805450, ClinGen allele CA568274781.

ClinVar aggregate classification (germline): Uncertain significance (1 of 4 stars; one submission).

Conditions:
Inborn genetic diseases. Identifiers: MedGen C0950123, MeSH D030342.

Allele frequency attached by ClinVar (database versions not stated): TOPMed below 0.00001.
gnomAD v4.1: 2 of 1,596,550 alleles (0.00013%); highest among the groups gnomAD compares: East Asian, 0.0045%; no homozygotes.

Submission:

Ambry Genetics
Classification: Uncertain significance for Inborn genetic diseases. Last evaluated: 2021-09-19. Review status: criteria provided, single submitter. Criteria: Ambry Variant Classification Scheme 2023. Collection method: clinical testing. Allele origin: germline.
Comment: The c.1653+5A>G intronic alteration consists of a A to G substitution nucleotides after coding exon 16 in the PHIP gene. Based on insufficient or conflicting evidence, the clinical significance of this alteration remains unclear.